The following is an entry in ClinVar:

ClinVar aggregate classification (germline): Uncertain significance (1 of 4 stars; one submission).

Conditions:
Factor XIII, b subunit, deficiency of. Also called: Factor XIII subunit B deficiency. Identifiers: Orphanet 331, MedGen C2750481, MONDO:0013190, OMIM 613235, HP:0040234.

Allele frequency attached by ClinVar (database versions not stated): ExAC 0.00001; gnomAD exomes 0.00001 and 0.00002.
gnomAD v4.1: 10 of 1,609,796 alleles (0.00062%); highest among the groups gnomAD compares: South Asian, 0.011%; no homozygotes.

Submission:

Baylor Genetics
Classification: Uncertain significance for Factor XIII, b subunit, deficiency of. Last evaluated: 2018-08-06. Review status: criteria provided, single submitter. Criteria: ACMG Guidelines, 2015. Collection method: clinical testing. Allele origin: paternal. Affected: yes.
Comment: This variant was determined to be of uncertain significance according to ACMG Guidelines, 2015 [PMID:25741868].

NM_001994.3(F13B):c.1942C>T (p.Pro648Ser)

Gene: F13B (coagulation factor XIII B chain; minus strand). Cytogenetic location: 1q31.3.
Variant type: single nucleotide variant.
Coding change: c.1942C>T on transcript NM_001994.3 (MANE Select); coding-DNA position 1942, C replaced by T.
Protein change: p.Pro648Ser; replaces proline 648 with serine.
Molecular consequence: missense variant.
Genome position (GRCh38, 1-based): chr1:197,040,532, G>A on the plus strand (C>T on the coding strand, the complement: F13B is on the minus strand). VCF-style: chr1-197040532-G-A. GRCh37 (hg19) VCF-style: chr1-197009662-G-A.
Other names: short protein forms P648S.
Identifiers: ClinVar variation 1033881 (VCV001033881.1), dbSNP rs759996311, ClinGen allele CA1308210.
Genomic context (GRCh38, chr1:197,040,532, plus strand): 5'-AACAATCTGACCAAAAAAAATAATCTGACCAAAAAAAAAAAACTTCTTACCTTTGTCTTG[G>A]AATACATCTTGGATATTTTAACTGCCCTCTGTCACATTGCATTCTAAGTATAGATCCAGT-3'
Protein context (NP_001985.2, residues 638-658): RGQLKYPRCI[Pro648Ser]RQSTLSYQEP